The following is an entry in ClinVar:

ClinVar aggregate classification (germline): Uncertain significance. Review status: criteria provided, multiple submitters, no conflicts (2 of 4 stars). 2 submissions from 2 submitters: Uncertain significance (2). Last evaluated 2024-03-24.

Conditions:
Familial thoracic aortic aneurysm and aortic dissection (TAAD). Also called: Thoracic aortic aneurysms and dissections. Identifiers: Orphanet 91387, MedGen C4707243, MONDO:0019625.
Aortic aneurysm, familial thoracic 4 (AAT4). Also called: AORTIC ANEURYSM/AORTIC DISSECTION AND PATENT DUCTUS ARTERIOSUS. Identifiers: MedGen C1851504, MONDO:0007568, OMIM 132900.

Submissions (2):

Ambry Genetics
Classification: Uncertain significance for Familial thoracic aortic aneurysm and aortic dissection. Last evaluated: 2024-03-24. Review status: criteria provided, single submitter. Criteria: Ambry Variant Classification Scheme 2023. Collection method: clinical testing. Allele origin: germline.
Comment: The p.E520K variant (also known as c.1558G>A), located in coding exon 12 of the MYH11 gene, results from a G to A substitution at nucleotide position 1558. The glutamic acid at codon 520 is replaced by lysine, an amino acid with similar properties. This amino acid position is conserved. In addition, this alteration is predicted to be deleterious by in silico analysis. Based on the available evidence, the clinical significance of this alteration remains unclear.

Labcorp Genetics (formerly Invitae), Labcorp
Classification: Uncertain significance for Aortic aneurysm, familial thoracic 4. Last evaluated: 2023-04-17. Review status: criteria provided, single submitter. Criteria: Invitae Variant Classification Sherloc (09022015). Collection method: clinical testing. Allele origin: germline.
Comment: Advanced modeling of protein sequence and biophysical properties (such as structural, functional, and spatial information, amino acid conservation, physicochemical variation, residue mobility, and thermodynamic stability) performed at Invitae indicates that this missense variant is not expected to disrupt MYH11 protein function. ClinVar contains an entry for this variant (Variation ID: 1357815). This variant has not been reported in the literature in individuals affected with MYH11-related conditions. This variant is not present in population databases (gnomAD no frequency). This sequence change replaces glutamic acid, which is acidic and polar, with lysine, which is basic and polar, at codon 527 of the MYH11 protein (p.Glu527Lys). In summary, the available evidence is currently insufficient to determine the role of this variant in disease. Therefore, it has been classified as a Variant of Uncertain Significance.

NM_002474.3(MYH11):c.1558G>A (p.Glu520Lys)

Gene: MYH11 (myosin heavy chain 11; minus strand). Cytogenetic location: 16p13.11.
Variant type: single nucleotide variant.
Coding change: c.1558G>A on transcript NM_002474.3 (MANE Select); coding-DNA position 1558, G replaced by A.
Protein change: p.Glu520Lys; replaces glutamic acid 520 with lysine.
Molecular consequence: missense variant.
Genome position (GRCh38, 1-based): chr16:15,757,844, C>T on the plus strand (G>A on the coding strand, the complement: MYH11 is on the minus strand). VCF-style: chr16-15757844-C-T. GRCh37 (hg19) VCF-style: chr16-15851701-C-T.
Other names: c.1558G>A (NM_002474.2); c.1579G>A, p.Glu527Lys (NM_001040113.2, NM_001040114.2); c.1558G>A, p.Glu520Lys (NM_022844.3); short protein forms E527K, E520K.
Identifiers: ClinVar variation 1357815 (VCV001357815.9), dbSNP rs2151274848, ClinGen allele CA394870685.